The following is an entry in ClinVar:

ClinVar aggregate classification (germline): Likely benign (1 of 4 stars; one submission).

gnomAD v4.1: 40 of 1,609,426 alleles (0.0025%); highest among the groups gnomAD compares: African/African-American, 0.0053%; no homozygotes.

Submission:

CeGaT Center for Human Genetics Tuebingen
Classification: Likely benign. Last evaluated: 2025-06-01. Review status: criteria provided, single submitter. Criteria: CeGaT Center For Human Genetics Tuebingen Variant Classification Criteria Version 2. Collection method: clinical testing. Allele origin: germline. Affected: yes. Observed: 1 variant allele.
Comment: PIDD1: BP4, BP7

NM_145886.4(PIDD1):c.45C>T (p.Ala15=)

Gene: PIDD1 (p53-induced death domain protein 1; minus strand). Cytogenetic location: 11p15.5.
Variant type: single nucleotide variant.
Coding change: c.45C>T on transcript NM_145886.4 (MANE Select); coding-DNA position 45, C replaced by T.
Protein change: p.Ala15=; no amino-acid change (alanine 15 retained).
Molecular consequence: synonymous variant.
Genome position (GRCh38, 1-based): chr11:804,344, G>A on the plus strand (C>T on the coding strand, the complement: PIDD1 is on the minus strand). VCF-style: chr11-804344-G-A. GRCh37 (hg19) VCF-style: chr11-804344-G-A.
Other names: c.45C>T, p.Ala15= (NM_145887.4).
Identifiers: ClinVar variation 4084553 (VCV004084553.8).